The following is an entry in ClinVar:

ClinVar aggregate classification (germline): Uncertain significance (1 of 4 stars; one submission).

Conditions:
Metachromatic leukodystrophy (MLD). Also called: Arylsulfatase A Deficiency; SULFATIDE LIPIDOSIS; ARSA DEFICIENCY; CEREBROSIDE SULFATASE DEFICIENCY; METACHROMATIC LEUKOENCEPHALOPATHY; Cerebral sclerosis diffuse metachromatic form. Identifiers: Orphanet 512, MedGen C0023522, MONDO:0018868, OMIM 250100.

Submission:

Labcorp Genetics (formerly Invitae), Labcorp
Classification: Uncertain significance for Metachromatic leukodystrophy. Last evaluated: 2021-11-06. Review status: criteria provided, single submitter. Criteria: Invitae Variant Classification Sherloc (09022015). Collection method: clinical testing. Allele origin: germline.
Comment: In summary, the available evidence is currently insufficient to determine the role of this variant in disease. Therefore, it has been classified as a Variant of Uncertain Significance. Advanced modeling of protein sequence and biophysical properties (such as structural, functional, and spatial information, amino acid conservation, physicochemical variation, residue mobility, and thermodynamic stability) performed at Invitae indicates that this missense variant is expected to disrupt ARSA protein function. This variant has not been reported in the literature in individuals affected with ARSA-related conditions. This variant is present in population databases (rs74315466, gnomAD 0.0009%). This sequence change replaces aspartic acid, which is acidic and polar, with tyrosine, which is neutral and polar, at codon 171 of the ARSA protein (p.Asp171Tyr).

NM_000487.6(ARSA):c.511G>T (p.Asp171Tyr)

Gene: ARSA (arylsulfatase A; minus strand). Cytogenetic location: 22q13.33.
Variant type: single nucleotide variant.
Coding change: c.511G>T on transcript NM_000487.6 (MANE Select); coding-DNA position 511, G replaced by T.
Protein change: p.Asp171Tyr; replaces aspartic acid 171 with tyrosine.
Molecular consequence: missense variant.
Genome position (GRCh38, 1-based): chr22:50,627,007, C>A on the plus strand (G>T on the coding strand, the complement: ARSA is on the minus strand). VCF-style: chr22-50627007-C-A. GRCh37 (hg19) VCF-style: chr22-51065435-C-A.
Other names: c.253G>T, p.Asp85Tyr (NM_001362782.2, NM_001085428.3); c.511G>T, p.Asp171Tyr (NM_001085425.3, NM_001085426.3, NM_001085427.3); short protein forms D171Y, D85Y.
Identifiers: ClinVar variation 1391651 (VCV001391651.8), dbSNP rs74315466, ClinGen allele CA10324990.